The following is an entry in ClinVar:

NM_016122.3(CEP83):c.582A>G (p.Leu194=)

Gene: CEP83 (centrosomal protein 83; minus strand). Cytogenetic location: 12q22.
Variant type: single nucleotide variant.
Coding change: c.582A>G on transcript NM_016122.3 (MANE Select); coding-DNA position 582, A replaced by G.
Protein change: p.Leu194=; no amino-acid change (leucine 194 retained).
Molecular consequence: synonymous variant. On other transcripts: non-coding transcript variant (3).
Genome position (GRCh38, 1-based): chr12:94,379,010, T>C on the plus strand (A>G on the coding strand, the complement: CEP83 is on the minus strand). VCF-style: chr12-94379010-T-C. GRCh37 (hg19) VCF-style: chr12-94772786-T-C.
Other names: c.582A>G, p.Leu194= (NM_001042399.2, NM_001346457.2, NM_001346460.2 and 3 more transcripts); c.270A>G, p.Leu90= (NM_001346458.2, NM_001346459.2, NM_001346462.2 and 2 more transcripts); c.357A>G, p.Leu119= (NM_001368041.1); c.45A>G, p.Leu15= (NM_001368042.1).
Identifiers: ClinVar variation 1134168 (VCV001134168.33), dbSNP rs762860899, ClinGen allele CA6721890.

ClinVar aggregate classification (germline): Likely benign. Review status: criteria provided, multiple submitters, no conflicts (2 of 4 stars). 3 submissions from 3 submitters: Likely benign (3). Last evaluated 2025-02-19.

Conditions:
Nephronophthisis 18 (NPHP18). Identifiers: Orphanet 655, MedGen C3890591, MONDO:0014374, OMIM 615862.

Allele frequency attached by ClinVar (database versions not stated): gnomAD 0.00001; TOPMed 0.00001; ExAC 0.00002; gnomAD exomes 0.00002 and 0.00003.
gnomAD v4.1: 42 of 1,611,342 alleles (0.0026%); highest among the groups gnomAD compares: Non-Finnish European, 0.0033%; no homozygotes.

Submissions (3):

Labcorp Genetics (formerly Invitae), Labcorp
Classification: Likely benign for Nephronophthisis 18. Last evaluated: 2025-02-19. Review status: criteria provided, single submitter. Criteria: Invitae Variant Classification Sherloc (09022015). Collection method: clinical testing. Allele origin: germline.

Blueprint Genetics
Classification: Likely benign. Last evaluated: 2024-10-22. Review status: criteria provided, single submitter. Criteria: ACMG Guidelines, 2015. Collection method: clinical testing. Allele origin: germline.

CeGaT Center for Human Genetics Tuebingen
Classification: Likely benign. Last evaluated: 2022-05-01. Review status: criteria provided, single submitter. Criteria: CeGaT Center For Human Genetics Tuebingen Variant Classification Criteria Version 2. Collection method: clinical testing. Allele origin: germline. Affected: yes. Observed: 1 variant allele.
Comment: CEP83: BP4, BP7